The following is an entry in ClinVar:

ClinVar aggregate classification (germline): Pathogenic (1 of 4 stars; one submission).

Submission:

GeneDx
Classification: Pathogenic. Last evaluated: 2025-07-30. Review status: criteria provided, single submitter. Criteria: GeneDx Variant Classification Process June 2021. Collection method: clinical testing. Allele origin: germline. Affected: yes.
Comment: Not observed at significant frequency in large population cohorts (gnomAD); In silico analysis supports that this missense variant has a deleterious effect on protein structure/function; This variant is associated with the following publications: (PMID: 39115449, 38662826, 31785789)

NM_006088.6(TUBB4B):c.776C>T (p.Pro259Leu)

Gene: TUBB4B (tubulin beta 4B class IVb; plus strand). Cytogenetic location: 9q34.3.
Variant type: single nucleotide variant.
Coding change: c.776C>T on transcript NM_006088.6 (MANE Select); coding-DNA position 776, C replaced by T.
Protein change: p.Pro259Leu; replaces proline 259 with leucine.
Molecular consequence: missense variant.
Genome position (GRCh38, 1-based): chr9:137,242,994, C>T. VCF-style: chr9-137242994-C-T. GRCh37 (hg19) VCF-style: chr9-140137446-C-T.
Other names: short protein forms P259L.
Identifiers: ClinVar variation 1806624 (VCV001806624.2), dbSNP rs2538829403, ClinGen allele CA375753133.